The following is an entry in ClinVar:

ClinVar aggregate classification (germline): Uncertain significance (1 of 4 stars; one submission).

Conditions:
Loeys-Dietz syndrome 2 (LDS2). Also called: TGFBR2-Related Loeys-Dietz Syndrome; MARFAN SYNDROME, TYPE II; AORTIC ANEURYSM, FAMILIAL THORACIC 3; Marfan Syndrome type 2; Marfan like connective tissue disorder; MFS 2. Identifiers: Orphanet 284973, Orphanet 558, MedGen C2674574, MONDO:0012427, OMIM 610168.

Allele frequency attached by ClinVar (database versions not stated): ExAC 0.00002; gnomAD 0.00002; TOPMed 0.00003; ESP Exome Variant Server 0.00008.

Submission:

Labcorp Genetics (formerly Invitae), Labcorp
Classification: Uncertain significance for Loeys-Dietz syndrome 2. Last evaluated: 2022-12-05. Review status: criteria provided, single submitter. Criteria: Invitae Variant Classification Sherloc (09022015). Collection method: clinical testing. Allele origin: germline.
Comment: In summary, the available evidence is currently insufficient to determine the role of this variant in disease. Therefore, it has been classified as a Variant of Uncertain Significance. Advanced modeling of protein sequence and biophysical properties (such as structural, functional, and spatial information, amino acid conservation, physicochemical variation, residue mobility, and thermodynamic stability) performed at Invitae indicates that this missense variant is not expected to disrupt TMPO protein function. This variant has not been reported in the literature in individuals affected with TMPO-related conditions. This variant is present in population databases (rs147803339, gnomAD 0.003%). This sequence change replaces cysteine, which is neutral and slightly polar, with tyrosine, which is neutral and polar, at codon 570 of the TMPO protein (p.Cys570Tyr).

NM_001032283.3(TMPO):c.565+2128G>A

Gene: TMPO (thymopoietin; plus strand). Cytogenetic location: 12q23.1.
Variant type: single nucleotide variant.
Coding change: c.565+2128G>A on transcript NM_001032283.3 (MANE Select); 2128 bases into the intron after coding-DNA position 565, G replaced by A.
Molecular consequence: intron variant. On other transcripts: missense variant (1).
Genome position (GRCh38, 1-based): chr12:98,533,966, G>A. VCF-style: chr12-98533966-G-A. GRCh37 (hg19) VCF-style: chr12-98927744-G-A.
Other names: c.565+2128G>A (NM_001032284.3, NM_001307975.2); c.1709G>A, p.Cys570Tyr (NM_003276.2); short protein forms C570Y.
Identifiers: ClinVar variation 2993032 (VCV002993032.3), dbSNP rs147803339, ClinGen allele CA6732467.
Genomic context (GRCh38, chr12:98,533,966, plus strand): 5'-TAGGAGGTATTCAAGCAGCCTCCACTGAGTCTTGCAATCAGCAGTTGGACTTAGCACTCT[G>A]TAGAGCATATGAAGCTGCAGCATCAGCATTGCAGATTGCAACTCACACTGCCTTTGTAGC-3'